The following is an entry in ClinVar:

NM_032043.3(BRIP1):c.2979C>G (p.Phe993Leu)

Gene: BRIP1 (BRCA1 interacting DNA helicase 1; minus strand). Cytogenetic location: 17q23.2.
Variant type: single nucleotide variant.
Coding change: c.2979C>G on transcript NM_032043.3 (MANE Select); coding-DNA position 2979, C replaced by G.
Protein change: p.Phe993Leu; replaces phenylalanine 993 with leucine.
Molecular consequence: missense variant.
Genome position (GRCh38, 1-based): chr17:61,684,067, G>C on the plus strand (C>G on the coding strand, the complement: BRIP1 is on the minus strand). VCF-style: chr17-61684067-G-C. GRCh37 (hg19) VCF-style: chr17-59761428-G-C.
Other names: short protein forms F993L.
Identifiers: ClinVar variation 407831 (VCV000407831.17), dbSNP rs1060501756, ClinGen allele CA16615828.

ClinVar aggregate classification (germline): Uncertain significance. Review status: criteria provided, multiple submitters, no conflicts (2 of 4 stars). 3 submissions from 3 submitters: Uncertain significance (3). Last evaluated 2025-04-05.

Conditions:
Hereditary cancer-predisposing syndrome. Also called: Hereditary neoplastic syndrome; Neoplastic Syndromes, Hereditary; Tumor predisposition; Hereditary Cancer Syndrome. Identifiers: Orphanet 140162, MedGen C0027672, MeSH D009386, MONDO:0015356.
Familial cancer of breast. Also called: Hereditary breast cancer; hereditary breast carcinoma; BREAST CANCER, FAMILIAL. Identifiers: Orphanet 227535, MedGen C0346153, MONDO:0016419, OMIM 114480. Disease mechanism: loss of function.
Fanconi anemia complementation group J. Also called: BRIP1-Related Fanconi Anemia. Identifiers: Orphanet 84, MedGen C1836860, MONDO:0012187, OMIM 609054.

Allele frequency attached by ClinVar (database versions not stated): gnomAD exomes below 0.00001; TOPMed below 0.00001; gnomAD 0.00001.
gnomAD v4.1: 2 of 1,613,574 alleles (0.00012%); highest among the groups gnomAD compares: Non-Finnish European, 0.00017%; no homozygotes.

Submissions (3):

Ambry Genetics
Classification: Uncertain significance for Hereditary cancer-predisposing syndrome. Last evaluated: 2025-04-05. Review status: criteria provided, single submitter. Criteria: Ambry Variant Classification Scheme 2023. Collection method: clinical testing. Allele origin: germline.
Comment: The p.F993L variant (also known as c.2979C>G), located in coding exon 19 of the BRIP1 gene, results from a C to G substitution at nucleotide position 2979. The phenylalanine at codon 993 is replaced by leucine, an amino acid with highly similar properties. This amino acid position is highly conserved in available vertebrate species. In addition, this alteration is predicted to be tolerated by in silico analysis. Since supporting evidence is limited at this time, the clinical significance of this alteration remains unclear.

Institute for Clinical Genetics, University Hospital TU Dresden, University Hospital TU Dresden
Classification: Uncertain significance. Last evaluated: 2021-11-03. Review status: criteria provided, single submitter. Criteria: ACMG Guidelines, 2015. Collection method: clinical testing. Allele origin: germline.

Labcorp Genetics (formerly Invitae), Labcorp
Classification: Uncertain significance for Familial cancer of breast; Fanconi anemia complementation group J. Last evaluated: 2021-05-13. Review status: criteria provided, single submitter. Criteria: Invitae Variant Classification Sherloc (09022015). Collection method: clinical testing. Allele origin: germline.
Comment: In summary, this variant is a novel missense change that is not predicted to affect protein function. There is no indication that it causes disease, but the available evidence is currently insufficient to prove that conclusively. Therefore, it has been classified as a Variant of Uncertain Significance. Algorithms developed to predict the effect of missense changes on protein structure and function (SIFT, PolyPhen-2, Align-GVGD) all suggest that this variant is likely to be tolerated, but these predictions have not been confirmed by published functional studies. This variant is not present in population databases (ExAC no frequency) and has not been reported in the literature in individuals with a BRIP1-related disease. This sequence change replaces phenylalanine with leucine at codon 993 of the BRIP1 protein (p.Phe993Leu). The phenylalanine residue is weakly conserved and there is a small physicochemical difference between phenylalanine and leucine.